The following is an entry in ClinVar:

ClinVar aggregate classification (germline): Pathogenic. Review status: reviewed by expert panel (3 of 4 stars). 4 submissions from 4 submitters: Pathogenic (1). 3 of the submissions do not count toward it. Last evaluated 2016-09-08.

Conditions:
Hereditary cancer-predisposing syndrome. Also called: Tumor predisposition; Hereditary neoplastic syndrome; Hereditary Cancer Syndrome; Neoplastic Syndromes, Hereditary. Identifiers: Orphanet 140162, MedGen C0027672, MeSH D009386, MONDO:0015356.
Hereditary breast ovarian cancer syndrome. Also called: Hereditary breast and/or ovarian cancer syndrome; Breast and ovarian cancer; Hereditary breast and ovarian cancer syndrome; Hereditary breast and ovarian cancer; Hereditary breast and ovarian cancer syndrome (HBOC); BRCA1- and BRCA2-Associated Hereditary Breast and Ovarian Cancer. Identifiers: Orphanet 145, MedGen C0677776, MeSH D061325, MONDO:0003582. Disease mechanism: loss of function.
Breast-ovarian cancer, familial, susceptibility to, 1 (BROVCA1). Also called: BRCA1 Hereditary Breast and Ovarian Cancer; OVARIAN CANCER, SUSCEPTIBILITY TO. Identifiers: Orphanet 145, MedGen C2676676, MONDO:0011450, OMIM 604370. Disease mechanism: loss of function.

Submissions (4):

Evidence-based Network for the Interpretation of Germline Mutant Alleles (ENIGMA)
Classification: Pathogenic for Breast-ovarian cancer, familial, susceptibility to, 1. Last evaluated: 2016-09-08. Review status: reviewed by expert panel. Criteria: ENIGMA BRCA1/2 Classification Criteria (2015). Collection method: curation. Allele origin: germline.
Comment: Variant allele predicted to encode a truncated non-functional protein.

Ambry Genetics
Classification: Pathogenic for Hereditary cancer-predisposing syndrome. Last evaluated: 2024-09-12. Review status: criteria provided, single submitter. Criteria: Ambry Variant Classification Scheme 2023. Collection method: clinical testing. Allele origin: germline. Not counted in ClinVar's aggregate classification.
Comment: The c.1518delG pathogenic mutation, located in coding exon 9 of the BRCA1 gene, results from a deletion of one nucleotide at nucleotide position 1518, causing a translational frameshift with a predicted alternate stop codon (p.R506Rfs*26). This variant is considered to be rare based on population cohorts in the Genome Aggregation Database (gnomAD). This alteration is expected to result in loss of function by premature protein truncation or nonsense-mediated mRNA decay. As such, this alteration is interpreted as a disease-causing mutation.

Women's Health and Genetics/Laboratory Corporation of America, LabCorp
Classification: Pathogenic for Hereditary breast and ovarian cancer syndrome. Last evaluated: 2020-04-07. Review status: criteria provided, single submitter. Criteria: LabCorp Variant Classification Summary - May 2015. Collection method: clinical testing. Allele origin: germline. Not counted in ClinVar's aggregate classification.
Comment: Variant summary: BRCA1 c.1518delG (p.Arg507AspfsX25) results in a premature termination codon, predicted to cause a truncation of the encoded protein or absence of the protein due to nonsense mediated decay, which are commonly known mechanisms for disease. The variant was absent in 250932 control chromosomes (gnomAD). c.1518delG has been reported in the literature in individuals affected with Hereditary Breast and Ovarian Cancer (Bhaskaran_2019, Momozawa_2018). These data indicate that the variant is likely to be associated with disease. To our knowledge, no experimental evidence demonstrating an impact on protein function has been reported. An expert panel (ENIGMA) (evaluation after 2014) cites the variant as pathogenic in ClinVar. Based on the evidence outlined above, the variant was classified as pathogenic.

Breast Cancer Information Core (BIC) (BRCA1)
Classification: Pathogenic for Breast-ovarian cancer, familial 1. Review status: no assertion criteria provided. Collection method: clinical testing. Allele origin: germline. Affected: yes. Observed: 1 variant allele. Not counted in ClinVar's aggregate classification.

Literature cited by the submitters: PubMed 30287823 (cited by Women's Health and Genetics/Laboratory Corporation of America, LabCorp); PubMed 30702160 (cited by Women's Health and Genetics/Laboratory Corporation of America, LabCorp).

NM_007294.4(BRCA1):c.1518del (p.Arg507fs)

Gene: BRCA1 (BRCA1 DNA repair associated; minus strand). Cytogenetic location: 17q21.31.
Variant type: Deletion.
Coding change: c.1518del on transcript NM_007294.4 (MANE Select); coding-DNA position 1518, one base deleted (G; older notation c.1518delG).
Protein change: p.Arg507fs; shifts the reading frame from arginine 507.
Molecular consequence: frameshift variant. On other transcripts: intron variant (137).
Genome position (GRCh38, 1-based): chr17:43,094,013, C deleted on the plus strand (G on the coding strand, the reverse complement: BRCA1 is on the minus strand); the first of 2 consecutive C bases (chr17:43,094,013-43,094,014); deleting either gives the same sequence. VCF-style (leftmost placement, unchanged base first): chr17-43094012-TC-T. GRCh37 (hg19) VCF-style: chr17-41246029-TC-T.
Other names: 1637delG; c.1518delG (NM_007294.3); c.661+731del (NM_001408435.1, NM_001408448.1, NM_001408445.1 and 6 more transcripts); c.784+731del (NM_001408401.1, NM_001408396.1, NM_001407985.1 and 13 more transcripts); c.548-2981del (NM_001408494.1); c.664+731del (NM_001408444.1, NM_001408438.1, NM_001408430.1 and 12 more transcripts); c.670+1833del (NM_001408423.1, NM_001408420.1, NM_001408419.1 and 2 more transcripts); c.787+731del (NM_001408404.1, NM_001408472.1, NM_001407990.1 and 19 more transcripts); and 42 more; short protein forms R460fs, R507fs, R395fs, R419fs, R440fs, R506fs, R211fs, R418fs.
Identifiers: ClinVar variation 125503 (VCV000125503.10), dbSNP rs80357947, ClinGen allele CA001024.